The following is an entry in ClinVar:

ClinVar aggregate classification (germline): Likely benign (0 of 4 stars; one submission).

Conditions:
ZFHX4-related disorder. Also called: ZFHX4-related condition.

Allele frequency attached by ClinVar (database versions not stated): ExAC 0.00002; gnomAD 0.00004; TOPMed 0.00004; gnomAD exomes 0.00007.
gnomAD v4.1: 109 of 1,613,562 alleles (0.0068%); highest among the groups gnomAD compares: Non-Finnish European, 0.0091%; no homozygotes.

Submission:

PreventionGenetics, part of Exact Sciences
Classification: Likely benign for ZFHX4-related condition. Last evaluated: 2019-07-12. Review status: no assertion criteria provided. Collection method: clinical testing. Allele origin: germline.
Comment: This variant is classified as likely benign based on ACMG/AMP sequence variant interpretation guidelines (Richards et al. 2015 PMID: 25741868, with internal and published modifications).

NM_024721.5(ZFHX4):c.1413T>C (p.Asp471=)

Gene: ZFHX4 (zinc finger homeobox 4; plus strand). Cytogenetic location: 8q21.13.
Variant type: single nucleotide variant.
Coding change: c.1413T>C on transcript NM_024721.5 (MANE Select); coding-DNA position 1413, T replaced by C.
Protein change: p.Asp471=; no amino-acid change (aspartic acid 471 retained).
Molecular consequence: synonymous variant.
Genome position (GRCh38, 1-based): chr8:76,705,501, T>C. VCF-style: chr8-76705501-T-C. GRCh37 (hg19) VCF-style: chr8-77617736-T-C.
Other names: c.1413T>C, p.Asp471= (NM_001410934.1).
Identifiers: ClinVar variation 3050045 (VCV003050045.2), dbSNP rs775936557, ClinGen allele CA4786822.